The following is an entry in ClinVar:

ClinVar aggregate classification (germline): Uncertain significance (1 of 4 stars; one submission).

Conditions:
Intellectual developmental disorder, X-linked, syndromic, Hedera type. Also called: Syndromic X-linked intellectual disability Hedera type. Identifiers: Orphanet 93952, MedGen C1845543, MONDO:0010319, OMIM 300423.

Submission:

Labcorp Genetics (formerly Invitae), Labcorp
Classification: Uncertain significance for Intellectual developmental disorder, X-linked, syndromic, Hedera type. Last evaluated: 2022-10-24. Review status: criteria provided, single submitter. Criteria: Invitae Variant Classification Sherloc (09022015). Collection method: clinical testing. Allele origin: germline.
Comment: This sequence change replaces methionine, which is neutral and non-polar, with isoleucine, which is neutral and non-polar, at codon 314 of the ATP6AP2 protein (p.Met314Ile). In summary, the available evidence is currently insufficient to determine the role of this variant in disease. Therefore, it has been classified as a Variant of Uncertain Significance. Advanced modeling of protein sequence and biophysical properties (such as structural, functional, and spatial information, amino acid conservation, physicochemical variation, residue mobility, and thermodynamic stability) performed at Invitae indicates that this missense variant is not expected to disrupt ATP6AP2 protein function. ClinVar contains an entry for this variant (Variation ID: 1461326). This variant has not been reported in the literature in individuals affected with ATP6AP2-related conditions. This variant is not present in population databases (gnomAD no frequency).

NM_005765.3(ATP6AP2):c.942G>A (p.Met314Ile)

Gene: ATP6AP2 (ATPase H+ transporting accessory protein 2; plus strand). Cytogenetic location: Xp11.4.
Variant type: single nucleotide variant.
Coding change: c.942G>A on transcript NM_005765.3 (MANE Select); coding-DNA position 942, G replaced by A.
Protein change: p.Met314Ile; replaces methionine 314 with isoleucine.
Molecular consequence: missense variant.
Genome position (GRCh38, 1-based): chrX:40,605,644, G>A. VCF-style: chrX-40605644-G-A. GRCh37 (hg19) VCF-style: chrX-40464896-G-A.
Other names: short protein forms M314I.
Identifiers: ClinVar variation 1461326 (VCV001461326.6), dbSNP rs2146547241, ClinGen allele CA412758938.
Genomic context (GRCh38, chrX:40,605,644, plus strand): 5'-CCTTGCATATAAGTATAATTTTGAATATTCCGTGGTTTTCAACATGGTACTTTGGATAAT[G>A]ATCGCCTTGGCCTTGGCTGTGATTATCACCTCTTACAATATTTGGAACATGGATCCTGGA-3'
Protein context (NP_005756.2, residues 304-324): SVVFNMVLWI[Met314Ile]IALALAVIIT